The following is an entry in ClinVar:

NM_024753.5(TTC21B):c.3324T>C (p.Leu1108=)

Gene: TTC21B (tetratricopeptide repeat domain 21B; minus strand). Cytogenetic location: 2q24.3.
Variant type: single nucleotide variant.
Coding change: c.3324T>C on transcript NM_024753.5 (MANE Select); coding-DNA position 3324, T replaced by C.
Protein change: p.Leu1108=; no amino-acid change (leucine 1108 retained).
Molecular consequence: synonymous variant.
Genome position (GRCh38, 1-based): chr2:165,888,414, A>G on the plus strand (T>C on the coding strand, the complement: TTC21B is on the minus strand). VCF-style: chr2-165888414-A-G. GRCh37 (hg19) VCF-style: chr2-166744924-A-G.
Other names: c.3324T>C (NM_024753.4).
Identifiers: ClinVar variation 3761161 (VCV003761161.3).

ClinVar aggregate classification (germline): Likely benign. Review status: criteria provided, multiple submitters, no conflicts (2 of 4 stars). 2 submissions from 2 submitters: Likely benign (2). Last evaluated 2025-06-13.

Conditions:
TTC21B-related disorder. Also called: TTC21B-related condition; TTC21B-related disorders.
Jeune thoracic dystrophy. Also called: Short-rib thoracic dysplasia; Jeune syndrome; Infantile thoracic dystrophy; Thoracic pelvic phalangeal dystrophy; Jeune's syndrome; Chondroectodermal dysplasia-like syndrome. Identifiers: Orphanet 474, MedGen C0265275, MONDO:0018770.
Nephronophthisis. Also called: Juvenile Nephronophthisis. Identifiers: Orphanet 655, MedGen C0687120, MONDO:0019005, HP:0000090.

gnomAD v4.1: 3 of 1,613,908 alleles (0.00019%); highest among the groups gnomAD compares: Admixed American, 0.005%; no homozygotes.

Submissions (2):

PreventionGenetics, part of Exact Sciences
Classification: Likely benign for TTC21B-related condition. Last evaluated: 2025-06-13. Review status: criteria provided, single submitter. Criteria: ACMG Guidelines, 2015. Collection method: clinical testing. Allele origin: germline.
Comment: This variant is classified as likely benign based on ACMG/AMP sequence variant interpretation guidelines (Richards et al. 2015 PMID: 25741868, with internal and published modifications).

Labcorp Genetics (formerly Invitae), Labcorp
Classification: Likely benign for Jeune thoracic dystrophy; Nephronophthisis. Last evaluated: 2024-10-29. Review status: criteria provided, single submitter. Criteria: Invitae Variant Classification Sherloc (09022015). Collection method: clinical testing. Allele origin: germline.